The following is an entry in ClinVar:

NM_004333.6(BRAF):c.667C>T (p.His223Tyr)

Gene: BRAF (B-Raf proto-oncogene, serine/threonine kinase; minus strand). Cytogenetic location: 7q34.
Variant type: single nucleotide variant.
Coding change: c.667C>T on transcript NM_004333.6 (MANE Select); coding-DNA position 667, C replaced by T.
Protein change: p.His223Tyr; replaces histidine 223 with tyrosine.
Molecular consequence: missense variant.
Genome position (GRCh38, 1-based): chr7:140,808,004, G>A on the plus strand (C>T on the coding strand, the complement: BRAF is on the minus strand). VCF-style: chr7-140808004-G-A. GRCh37 (hg19) VCF-style: chr7-140507804-G-A.
Other names: c.667C>T, p.His223Tyr (NM_001354609.2, NM_001374244.1, NM_001374258.1 and 4 more transcripts); c.676C>T, p.His226Tyr (NM_001378467.1); c.565C>T, p.His189Tyr (NM_001378470.1); c.511C>T, p.His171Tyr (NM_001378472.1, NM_001378473.1); c.403C>T, p.His135Tyr (NM_001378475.1); short protein forms H135Y, H189Y, H171Y, H226Y, H223Y.
Identifiers: ClinVar variation 1432846 (VCV001432846.8), dbSNP rs2129047895, ClinGen allele CA369591070.

ClinVar aggregate classification (germline): Uncertain significance (1 of 4 stars; one submission).

Conditions:
RASopathy. Also called: Noonan spectrum disorder; rasopathies. Identifiers: Orphanet 536391, MedGen C5555857, MONDO:0021060.

Submission:

Labcorp Genetics (formerly Invitae), Labcorp
Classification: Uncertain significance for RASopathy. Last evaluated: 2020-12-28. Review status: criteria provided, single submitter. Criteria: Invitae Variant Classification Sherloc (09022015). Collection method: clinical testing. Allele origin: germline.
Comment: This variant has not been reported in the literature in individuals with BRAF-related conditions. This sequence change replaces histidine with tyrosine at codon 223 of the BRAF protein (p.His223Tyr). The histidine residue is highly conserved and there is a moderate physicochemical difference between histidine and tyrosine. This variant is not present in population databases (ExAC no frequency). Advanced modeling of protein sequence and biophysical properties (such as structural, functional, and spatial information, amino acid conservation, physicochemical variation, residue mobility, and thermodynamic stability) performed at Invitae indicates that this missense variant is not expected to disrupt BRAF protein function. Algorithms developed to predict the effect of sequence changes on RNA splicing suggest that this variant may create or strengthen a splice site, but this prediction has not been confirmed by published transcriptional studies. In summary, the available evidence is currently insufficient to determine the role of this variant in disease. Therefore, it has been classified as a Variant of Uncertain Significance.